The following is an entry in ClinVar:

ClinVar aggregate classification (germline): Conflicting classifications of pathogenicity. Review status: criteria provided, conflicting classifications (1 of 4 stars). 2 submissions from 2 submitters: Uncertain significance (1); Likely benign (1). Last evaluated 2022-03-27.

Conditions:
Hereditary cancer-predisposing syndrome. Also called: Hereditary Cancer Syndrome; Hereditary neoplastic syndrome; Neoplastic Syndromes, Hereditary; Tumor predisposition. Identifiers: Orphanet 140162, MedGen C0027672, MeSH D009386, MONDO:0015356.

Allele frequency attached by ClinVar (database versions not stated): gnomAD exomes below 0.00001.
gnomAD v4.1: 1 of 1,614,128 alleles (0.000062%); highest among the groups gnomAD compares: Non-Finnish European, 0.000085%; no homozygotes.

Submissions (2):

Ambry Genetics
Classification: Likely benign for Hereditary cancer-predisposing syndrome. Last evaluated: 2022-03-27. Review status: criteria provided, single submitter. Criteria: Ambry Variant Classification Scheme 2023. Collection method: clinical testing. Allele origin: germline.

Sema4
Classification: Uncertain significance for Hereditary cancer-predisposing syndrome. Last evaluated: 2021-09-11. Review status: criteria provided, single submitter. Criteria: Sema4 Curation Guidelines. Collection method: curation. Allele origin: germline.
Comment: The SMARCB1 c.336C>T (p.I112=) variant has not been reported in the literature to our knowledge. This variant is not reported in the population database Genome Aggregation Database (PMID: 32461654), nor in ClinVar. In silico tools suggest that the variant may have an impact on splicing, though these predictions have not been confirmed by functional studies. The evidence is insufficient to meet ACMG/AMP criteria for classifying the variant as benign or pathogenic. Thus, the clinical significance of this variant is currently uncertain.

NM_003073.5(SMARCB1):c.336C>T (p.Ile112=)

Gene: SMARCB1 (SWI/SNF related BAF chromatin remodeling complex subunit B1; plus strand). Cytogenetic location: 22q11.23.
Variant type: single nucleotide variant.
Coding change: c.336C>T on transcript NM_003073.5 (MANE Select); coding-DNA position 336, C replaced by T.
Protein change: p.Ile112=; no amino-acid change (isoleucine 112 retained).
Molecular consequence: synonymous variant.
Genome position (GRCh38, 1-based): chr22:23,793,662, C>T. VCF-style: chr22-23793662-C-T. GRCh37 (hg19) VCF-style: chr22-24135849-C-T.
Other names: c.309C>T, p.Ile103= (NM_001007468.3, NM_001317946.2); c.336C>T, p.Ile112= (NM_001362877.2).
Identifiers: ClinVar variation 1692745 (VCV001692745.3), dbSNP rs2145964352, ClinGen allele CA513770539.